The following is an entry in ClinVar:

NM_007294.4(BRCA1):c.2960_2964del (p.Lys987fs)

Gene: BRCA1 (BRCA1 DNA repair associated; minus strand). Cytogenetic location: 17q21.31.
Variant type: Deletion.
Coding change: c.2960_2964del on transcript NM_007294.4 (MANE Select); coding-DNA positions 2960 to 2964, 5 bases deleted (AGTCA; older notation c.2960_2964delAGTCA).
Protein change: p.Lys987fs; shifts the reading frame from lysine 987.
Molecular consequence: frameshift variant. On other transcripts: intron variant (137).
Genome position (GRCh38, 1-based): chr17:43,092,567-43,092,571, TGACT deleted on the plus strand (AGTCA on the coding strand, the reverse complement: BRCA1 is on the minus strand); deleting any 5 consecutive bases within chr17:43,092,567-43,092,574 gives the same sequence; the c. name uses the placement nearest the transcript's 3' end. VCF-style (leftmost placement, unchanged base first): chr17-43092566-ATGACT-A. GRCh37 (hg19) VCF-style: chr17-41244583-ATGACT-A.
Other names: c.2960_2964delAGTCA (NM_007294.3); c.788-1539_788-1535del (NM_001407978.1, NM_001407979.1, NM_001407977.1 and 17 more transcripts); c.644-1539_644-1535del (NM_001408462.1, NM_001408470.1, NM_001408464.1 and 3 more transcripts); c.710-1539_710-1535del (NM_001408414.1, NM_001408411.1, NM_001408415.1 and 2 more transcripts); c.578-1539_578-1535del (NM_001408514.1, NM_001408485.1, NM_001408483.1 and 9 more transcripts); c.662-1539_662-1535del (NM_001408447.1, NM_001408433.1, NM_001408446.1 and 6 more transcripts); c.785-1539_785-1535del (NM_001408400.1, NM_001408392.1, NM_001407986.1 and 13 more transcripts); c.665-1539_665-1535del (NM_001408441.1, NM_001408437.1, NM_001408429.1 and 12 more transcripts); and 44 more; short protein forms K940fs, K987fs, K876fs, K898fs, K919fs, K945fs, K946fs, K691fs.
Identifiers: ClinVar variation 441377 (VCV000441377.15), dbSNP rs1555588625, ClinGen allele CA658653687.

ClinVar aggregate classification (germline): Pathogenic. Review status: reviewed by expert panel (3 of 4 stars). 6 submissions from 6 submitters: Pathogenic (1). 5 of the submissions do not count toward it. Last evaluated 2017-12-15.

Conditions:
Hereditary breast ovarian cancer syndrome. Also called: Hereditary breast and ovarian cancer syndrome (HBOC); BRCA1- and BRCA2-Associated Hereditary Breast and Ovarian Cancer; Hereditary breast and/or ovarian cancer syndrome; Hereditary breast and ovarian cancer syndrome; Hereditary breast and ovarian cancer; Breast and ovarian cancer. Identifiers: Orphanet 145, MedGen C0677776, MeSH D061325, MONDO:0003582. Disease mechanism: loss of function.
Fanconi anemia, complementation group S (FANCS). Identifiers: MedGen C4554406, MONDO:0054748, OMIM 617883.
Hereditary cancer-predisposing syndrome. Also called: Neoplastic Syndromes, Hereditary; Hereditary neoplastic syndrome; Tumor predisposition; Hereditary Cancer Syndrome. Identifiers: Orphanet 140162, MedGen C0027672, MeSH D009386, MONDO:0015356.
Breast-ovarian cancer, familial, susceptibility to, 1 (BROVCA1). Also called: BRCA1 Hereditary Breast and Ovarian Cancer; OVARIAN CANCER, SUSCEPTIBILITY TO. Identifiers: Orphanet 145, MedGen C2676676, MONDO:0011450, OMIM 604370. Disease mechanism: loss of function.

Submissions (6):

Evidence-based Network for the Interpretation of Germline Mutant Alleles (ENIGMA)
Classification: Pathogenic for Breast-ovarian cancer, familial, susceptibility to, 1. Last evaluated: 2017-12-15. Review status: reviewed by expert panel. Criteria: ENIGMA BRCA1/2 Classification Criteria (2017-06-29). Collection method: curation. Allele origin: germline. Study: ENIGMA.
Comment: Variant allele predicted to encode a truncated non-functional protein.

Labcorp Genetics (formerly Invitae), Labcorp
Classification: Pathogenic for Hereditary breast ovarian cancer syndrome. Last evaluated: 2024-05-08. Review status: criteria provided, single submitter. Criteria: Invitae Variant Classification Sherloc (09022015). Collection method: clinical testing. Allele origin: germline. Not counted in ClinVar's aggregate classification.
Comment: This sequence change creates a premature translational stop signal (p.Lys987Ilefs*3) in the BRCA1 gene. It is expected to result in an absent or disrupted protein product. Loss-of-function variants in BRCA1 are known to be pathogenic (PMID: 20104584). This variant is not present in population databases (gnomAD no frequency). This variant has not been reported in the literature in individuals affected with BRCA1-related conditions. ClinVar contains an entry for this variant (Variation ID: 441377). For these reasons, this variant has been classified as Pathogenic.

Baylor Genetics
Classification: Likely pathogenic for Breast-ovarian cancer, familial, susceptibility to, 1. Last evaluated: 2024-01-31. Review status: criteria provided, single submitter. Criteria: ACMG Guidelines, 2015. Collection method: clinical testing. Allele origin: unknown. Not counted in ClinVar's aggregate classification.

Ambry Genetics
Classification: Pathogenic for Hereditary cancer-predisposing syndrome. Last evaluated: 2023-11-22. Review status: criteria provided, single submitter. Criteria: Ambry Variant Classification Scheme 2023. Collection method: clinical testing. Allele origin: germline. Not counted in ClinVar's aggregate classification.
Comment: The c.2960_2964delAGTCA pathogenic mutation, located in coding exon 9 of the BRCA1 gene, results from a deletion of 5 nucleotides at nucleotide positions 2960 to 2964, causing a translational frameshift with a predicted alternate stop codon (p.K987Ifs*3). This alteration is expected to result in loss of function by premature protein truncation or nonsense-mediated mRNA decay. As such, this alteration is interpreted as a disease-causing mutation.

Unidad Asesoramiento Genetico Oncologico Falp, Instituto Oncologico Fundacion Arturo Lopez Perez
Classification: Pathogenic for Breast-ovarian cancer, familial, susceptibility to, 1. Last evaluated: 2023-08-01. Review status: criteria provided, single submitter. Criteria: ACMG Guidelines, 2015. Collection method: clinical testing. Allele origin: unknown. Affected: yes. Not counted in ClinVar's aggregate classification.

Department of Pathology and Laboratory Medicine, Sinai Health System
Classification: Pathogenic for Fanconi anemia, complementation group S. Last evaluated: 2022-04-27. Review status: criteria provided, single submitter. Criteria: ACMG Guidelines, 2015. Collection method: clinical testing. Allele origin: germline. Affected: no. Not counted in ClinVar's aggregate classification.

Literature cited by the submitters: PubMed 20104584 (cited by Labcorp Genetics (formerly Invitae), Labcorp).